The following is an entry in ClinVar:

NM_001145026.2(PTPRQ):c.6300G>A (p.Met2100Ile)

Gene: PTPRQ (protein tyrosine phosphatase receptor type Q; plus strand). Cytogenetic location: 12q21.31.
Variant type: single nucleotide variant.
Coding change: c.6300G>A on transcript NM_001145026.2 (MANE Select); coding-DNA position 6300, G replaced by A.
Protein change: p.Met2100Ile; replaces methionine 2100 with isoleucine.
Molecular consequence: missense variant.
Genome position (GRCh38, 1-based): chr12:80,669,114, G>A. VCF-style: chr12-80669114-G-A. GRCh37 (hg19) VCF-style: chr12-81062893-G-A.
Other names: short protein forms M2100I.
Identifiers: ClinVar variation 4531042 (VCV004531042.1).

ClinVar aggregate classification (germline): Uncertain significance (1 of 4 stars; one submission).

gnomAD v4.1: 20 of 1,548,602 alleles (0.0013%); highest among the groups gnomAD compares: Admixed American, 0.0099%; no homozygotes.

Submission:

GeneDx
Classification: Uncertain significance. Last evaluated: 2025-05-22. Review status: criteria provided, single submitter. Criteria: GeneDx Variant Classification Process June 2021. Collection method: clinical testing. Allele origin: germline. Affected: yes.
Comment: Not observed at significant frequency in large population cohorts (gnomAD); In silico analysis supports that this missense variant has a deleterious effect on protein structure/function; Has not been previously published as pathogenic or benign to our knowledge